The following is an entry in ClinVar:

ClinVar aggregate classification (germline): Uncertain significance. Review status: criteria provided, multiple submitters, no conflicts (2 of 4 stars). 2 submissions from 2 submitters: Uncertain significance (2). Last evaluated 2022-10-31.

Conditions:
Inborn genetic diseases. Identifiers: MedGen C0950123, MeSH D030342.
Primary ciliary dyskinesia. Also called: Ciliary dyskinesia. Identifiers: Orphanet 244, MedGen C0008780, MONDO:0016575, HP:0012265.

Allele frequency attached by ClinVar (database versions not stated): TOPMed 0.00017; 1000 Genomes Project 0.00020; 1000 Genomes Project 30x 0.00031; ExAC 0.00006; gnomAD exomes 0.00006; ESP Exome Variant Server 0.00008; gnomAD 0.00012.
gnomAD v4.1: 106 of 1,610,104 alleles (0.0066%); highest among the groups gnomAD compares: African/African-American, 0.032%; no homozygotes.

Submissions (2):

Labcorp Genetics (formerly Invitae), Labcorp
Classification: Uncertain significance for Primary ciliary dyskinesia. Last evaluated: 2022-10-31. Review status: criteria provided, single submitter. Criteria: Invitae Variant Classification Sherloc (09022015). Collection method: clinical testing. Allele origin: germline.
Comment: In summary, the available evidence is currently insufficient to determine the role of this variant in disease. Therefore, it has been classified as a Variant of Uncertain Significance. Algorithms developed to predict the effect of missense changes on protein structure and function are either unavailable or do not agree on the potential impact of this missense change (SIFT: "Tolerated"; PolyPhen-2: "Possibly Damaging"; Align-GVGD: "Class C0"). ClinVar contains an entry for this variant (Variation ID: 843271). This variant has not been reported in the literature in individuals affected with RSPH1-related conditions. This variant is present in population databases (rs373119665, gnomAD 0.03%). This sequence change replaces alanine, which is neutral and non-polar, with valine, which is neutral and non-polar, at codon 218 of the RSPH1 protein (p.Ala218Val).

Ambry Genetics
Classification: Uncertain significance for Inborn genetic diseases. Last evaluated: 2021-07-20. Review status: criteria provided, single submitter. Criteria: Ambry Variant Classification Scheme 2023. Collection method: clinical testing. Allele origin: germline.

NM_080860.4(RSPH1):c.653C>T (p.Ala218Val)

Gene: RSPH1 (radial spoke head component 1; minus strand). Cytogenetic location: 21q22.3.
Variant type: single nucleotide variant.
Coding change: c.653C>T on transcript NM_080860.4 (MANE Select); coding-DNA position 653, C replaced by T.
Protein change: p.Ala218Val; replaces alanine 218 with valine.
Molecular consequence: missense variant.
Genome position (GRCh38, 1-based): chr21:42,477,365, G>A on the plus strand (C>T on the coding strand, the complement: RSPH1 is on the minus strand). VCF-style: chr21-42477365-G-A. GRCh37 (hg19) VCF-style: chr21-43897475-G-A.
Other names: c.653C>T (NM_080860.2); c.539C>T, p.Ala180Val (NM_001286506.2); short protein forms A218V, A180V.
Identifiers: ClinVar variation 843271 (VCV000843271.9), dbSNP rs373119665, ClinGen allele CA10043849.